The following is an entry in ClinVar:

ClinVar aggregate classification (germline): Pathogenic. Review status: criteria provided, multiple submitters, no conflicts (2 of 4 stars). 2 submissions from 2 submitters: Pathogenic (2). Last evaluated 2025-06-10.

Conditions:
Hereditary cancer-predisposing syndrome. Also called: Neoplastic Syndromes, Hereditary; Tumor predisposition; Hereditary Cancer Syndrome; Hereditary neoplastic syndrome. Identifiers: Orphanet 140162, MedGen C0027672, MeSH D009386, MONDO:0015356.
Familial cancer of breast. Also called: BREAST CANCER, FAMILIAL; Hereditary breast cancer; hereditary breast carcinoma. Identifiers: Orphanet 227535, MedGen C0346153, MONDO:0016419, OMIM 114480. Disease mechanism: loss of function.

Submissions (2):

Ambry Genetics
Classification: Pathogenic for Hereditary cancer-predisposing syndrome. Last evaluated: 2025-06-10. Review status: criteria provided, single submitter. Criteria: Ambry Variant Classification Scheme 2023. Collection method: clinical testing. Allele origin: germline.
Comment: The c.396_400delCACTC pathogenic mutation, located in coding exon 4 of the BRIP1 gene, results from a deletion of 5 nucleotides at nucleotide positions 396 to 400, causing a translational frameshift with a predicted alternate stop codon (p.T133Gfs*7). This variant is considered to be rare based on population cohorts in the Genome Aggregation Database (gnomAD). This alteration is expected to result in loss of function by premature protein truncation or nonsense-mediated mRNA decay. As such, this alteration is interpreted as a disease-causing mutation.

Myriad Genetics, Inc.
Classification: Pathogenic for Familial cancer of breast. Last evaluated: 2023-05-30. Review status: criteria provided, single submitter. Criteria: Myriad Autosomal Dominant, Autosomal Recessive and X-Linked Classification Criteria (2023). Collection method: clinical testing. Allele origin: unknown.
Comment: This variant is considered pathogenic. This variant creates a frameshift predicted to result in premature protein truncation.

NM_032043.3(BRIP1):c.396_400del (p.Thr133fs)

Gene: BRIP1 (BRCA1 interacting DNA helicase 1; minus strand). Cytogenetic location: 17q23.2.
Variant type: Deletion.
Coding change: c.396_400del on transcript NM_032043.3 (MANE Select); coding-DNA positions 396 to 400, 5 bases deleted (CACTC; older notation c.396_400delCACTC).
Protein change: p.Thr133fs; shifts the reading frame from threonine 133.
Molecular consequence: frameshift variant.
Genome position (GRCh38, 1-based): chr17:61,849,236-61,849,240, GAGTG deleted on the plus strand (CACTC on the coding strand, the reverse complement: BRIP1 is on the minus strand); deleting any 5 consecutive bases within chr17:61,849,236-61,849,241 gives the same sequence; the c. name uses the placement nearest the transcript's 3' end. VCF-style (leftmost placement, unchanged base first): chr17-61849235-AGAGTG-A. GRCh37 (hg19) VCF-style: chr17-59926596-AGAGTG-A.
Other names: c.396_400delCACTC (NM_032043.2); short protein forms T133fs.
Identifiers: ClinVar variation 483207 (VCV000483207.8), dbSNP rs1555616206, ClinGen allele CA658658688.